The following is an entry in ClinVar:

NM_001031689.3(PLAA):c.13G>A (p.Ala5Thr)

Gene: PLAA (phospholipase A2 activating protein; minus strand). Cytogenetic location: 9p21.2.
Variant type: single nucleotide variant.
Coding change: c.13G>A on transcript NM_001031689.3 (MANE Select); coding-DNA position 13, G replaced by A.
Protein change: p.Ala5Thr; replaces alanine 5 with threonine.
Molecular consequence: missense variant.
Genome position (GRCh38, 1-based): chr9:26,947,033, C>T on the plus strand (G>A on the coding strand, the complement: PLAA is on the minus strand). VCF-style: chr9-26947033-C-T. GRCh37 (hg19) VCF-style: chr9-26947031-C-T.
Other names: c.13G>A, p.Ala5Thr (NM_001321546.2); short protein forms A5T.
Identifiers: ClinVar variation 2043190 (VCV002043190.4), dbSNP rs1455722084, ClinGen allele CA373115373.

ClinVar aggregate classification (germline): Uncertain significance (1 of 4 stars; one submission).

Allele frequency attached by ClinVar (database versions not stated): TOPMed 0.00001; gnomAD 0.00002.
gnomAD v4.1: 22 of 1,584,462 alleles (0.0014%); highest among the groups gnomAD compares: Admixed American, 0.0036%; no homozygotes.

Submission:

Labcorp Genetics (formerly Invitae), Labcorp
Classification: Uncertain significance. Last evaluated: 2022-03-26. Review status: criteria provided, single submitter. Criteria: Invitae Variant Classification Sherloc (09022015). Collection method: clinical testing. Allele origin: germline.
Comment: In summary, the available evidence is currently insufficient to determine the role of this variant in disease. Therefore, it has been classified as a Variant of Uncertain Significance. Algorithms developed to predict the effect of missense changes on protein structure and function (SIFT, PolyPhen-2, Align-GVGD) all suggest that this variant is likely to be tolerated. This variant has not been reported in the literature in individuals affected with PLAA-related conditions. The frequency data for this variant in the population databases is considered unreliable, as metrics indicate poor data quality at this position in the gnomAD database. This sequence change replaces alanine, which is neutral and non-polar, with threonine, which is neutral and polar, at codon 5 of the PLAA protein (p.Ala5Thr).